The following is an entry in ClinVar:

NM_000018.4(ACADVL):c.412_413delinsAT (p.Glu138Met)

Gene: ACADVL (acyl-CoA dehydrogenase very long chain; plus strand). Cytogenetic location: 17p13.1.
Variant type: Indel.
Coding change: c.412_413delinsAT on transcript NM_000018.4 (MANE Select); coding-DNA positions 412 to 413, GA replaced by AT.
Protein change: p.Glu138Met; replaces glutamic acid 138 with methionine.
Molecular consequence: missense variant.
Genome position (GRCh38, 1-based): chr17:7,220,993-7,220,994, GA replaced by AT. VCF-style: chr17-7220993-GA-AT. GRCh37 (hg19) VCF-style: chr17-7124312-GA-AT.
Other names: c.346_347delinsAT, p.Glu116Met (NM_001033859.3); c.481_482delinsAT, p.Glu161Met (NM_001270447.2); c.184_185delinsAT, p.Glu62Met (NM_001270448.2); short protein forms E116M, E138M, E62M, E161M.
Identifiers: ClinVar variation 3706421 (VCV003706421.1).

ClinVar aggregate classification (germline): Uncertain significance (1 of 4 stars; one submission).

Conditions:
Very long chain acyl-CoA dehydrogenase deficiency (ACADVLD). Also called: Very Long-Chain Acyl-Coenzyme A Dehydrogenase Deficiency; VLCAD Deficiency. Identifiers: Orphanet 26793, MedGen C3887523, MONDO:0008723, OMIM 201475.

Submission:

Labcorp Genetics (formerly Invitae), Labcorp
Classification: Uncertain significance for Very long chain acyl-CoA dehydrogenase deficiency. Last evaluated: 2025-01-11. Review status: criteria provided, single submitter. Criteria: Invitae Variant Classification Sherloc (09022015). Collection method: clinical testing. Allele origin: germline.
Comment: This sequence change replaces glutamic acid, which is acidic and polar, with methionine, which is neutral and non-polar, at codon 138 of the ACADVL protein (p.Glu138Met). Information on the frequency of this variant in the gnomAD database is not available, as this variant may be reported differently in the database. This variant has not been reported in the literature in individuals affected with ACADVL-related conditions. An algorithm developed to predict the effect of missense changes on protein structure and function (PolyPhen-2) suggests that this variant¬†is likely to be tolerated. In summary, the available evidence is currently insufficient to determine the role of this variant in disease. Therefore, it has been classified as a Variant of Uncertain Significance.